The following is an entry in ClinVar:

NM_177531.6(PKHD1L1):c.12330+1G>A

Genes: PKHD1L1 (PKHD1 like 1; plus strand), LOC126860473 (MED14-independent group 3 enhancer GRCh37_chr8:110534343-110535542; plus strand). Cytogenetic location: 8q23.2.
Variant type: single nucleotide variant.
Coding change: c.12330+1G>A on transcript NM_177531.6 (MANE Select); the canonical splice donor site of the intron after coding-DNA position 12330, G replaced by A.
Molecular consequence: splice donor variant.
Genome position (GRCh38, 1-based): chr8:109,522,891, G>A. VCF-style: chr8-109522891-G-A. GRCh37 (hg19) VCF-style: chr8-110535120-G-A.
Identifiers: ClinVar variation 2658752 (VCV002658752.24), dbSNP rs202038373, ClinGen allele CA4847115.

ClinVar aggregate classification (germline): Uncertain significance (1 of 4 stars; one submission).

Allele frequency attached by ClinVar (database versions not stated): ESP Exome Variant Server 0.00008; TOPMed 0.00013; ExAC 0.00014; gnomAD 0.00021.
gnomAD v4.1: 317 of 1,594,660 alleles (0.02%); highest among the groups gnomAD compares: Admixed American, 0.043%; no homozygotes.

Submission:

CeGaT Center for Human Genetics Tuebingen
Classification: Uncertain significance. Last evaluated: 2023-10-01. Review status: criteria provided, single submitter. Criteria: CeGaT Center For Human Genetics Tuebingen Variant Classification Criteria Version 2. Collection method: clinical testing. Allele origin: germline. Affected: yes. Observed: 1 variant allele.
Comment: PKHD1L1: PM2, PP3